The following is an entry in ClinVar:

ClinVar aggregate classification (germline): Likely pathogenic (1 of 4 stars; one submission).

Conditions:
Sifrim-Hitz-Weiss syndrome (SIHIWES). Also called: CHD4 Neurodevelopmental Disorder; SIFRIM-HITZ-WEISS MULTIPLE CONGENITAL ANOMALIES-MENTAL RETARDATION SYNDROME. Identifiers: Orphanet 653712, MedGen C4310688, MONDO:0014946, OMIM 617159.

Submission:

Pittsburgh Clinical Genomics Laboratory, University of Pittsburgh Medical Center
Classification: Likely pathogenic for Sifrim-Hitz-Weiss syndrome. Last evaluated: 2022-08-24. Review status: criteria provided, single submitter. Criteria: ACMG Guidelines, 2015. Collection method: clinical testing. Allele origin: germline. Inheritance: Autosomal dominant inheritance. Affected: yes.
Comment: This sequence variant is a single nucleotide substitution (C>T) at coding position 1726 of the CHD4 gene that results in an arginine to tryptophan amino acid change at residue 576 of the CHD4 protein. This is a de novo variant that has not been previously reported in databases of clinically annotated variants but has been observed in the literature in an individual with a neuropsychiatric disorder (PMID: 21743468). This variant is absent from control population datasets (gnomAD database 0 of ~250,000 alleles). Multiple bioinformatic tools predict that this variant would be damaging and the Arg576 residue is highly conserved across the vertebrate species examined. This variant is found within the chromo 1 domain of the CHD4 protein which is important for its ATPase and nucleosome remodeling activity (PMID: 22575888). Functiol studies testing the effect of this variant on protein structure or activity have not been performed, to our knowledge. Given the currently available evidence, we consider this variant to be likely pathogenic. ACMG Criteria: PM2, PP3, PS2

Literature cited by the submitters: PubMed 22575888; PubMed 21743468.

NM_001273.5(CHD4):c.1726C>T (p.Arg576Trp)

Gene: CHD4 (chromodomain helicase DNA binding protein 4; minus strand). Cytogenetic location: 12p13.31.
Variant type: single nucleotide variant.
Coding change: c.1726C>T on transcript NM_001273.5 (MANE Select); coding-DNA position 1726, C replaced by T.
Protein change: p.Arg576Trp; replaces arginine 576 with tryptophan.
Molecular consequence: missense variant.
Genome position (GRCh38, 1-based): chr12:6,598,060, G>A on the plus strand (C>T on the coding strand, the complement: CHD4 is on the minus strand). VCF-style: chr12-6598060-G-A. GRCh37 (hg19) VCF-style: chr12-6707226-G-A.
Other names: c.1705C>T, p.Arg569Trp (NM_001297553.2); c.1687C>T, p.Arg563Trp (NM_001363606.2); short protein forms R563W, R569W, R576W.
Identifiers: ClinVar variation 3376256 (VCV003376256.1).